The following is an entry in ClinVar:

NM_000286.3(PEX12):c.808del (p.Gln270fs)

Gene: PEX12 (peroxisomal biogenesis factor 12; minus strand). Cytogenetic location: 17q12.
Variant type: Deletion.
Coding change: c.808del on transcript NM_000286.3 (MANE Select); coding-DNA position 808, one base deleted (C; older notation c.808delC).
Protein change: p.Gln270fs; shifts the reading frame from glutamine 270.
Molecular consequence: frameshift variant.
Genome position (GRCh38, 1-based): chr17:35,576,054, G deleted on the plus strand (C on the coding strand, the reverse complement: PEX12 is on the minus strand). VCF-style (leftmost placement, unchanged base first): chr17-35576053-TG-T. GRCh37 (hg19) VCF-style: chr17-33903072-TG-T.
Other names: short protein forms Q270fs.
Identifiers: ClinVar variation 2034390 (VCV002034390.6), dbSNP rs2509168104, ClinGen allele CA2580093580.

ClinVar aggregate classification (germline): Pathogenic/Likely pathogenic. Review status: criteria provided, multiple submitters, no conflicts (2 of 4 stars). 3 submissions from 3 submitters: Pathogenic (1); Likely pathogenic (2). Last evaluated 2024-02-14.

Conditions:
Peroxisome biogenesis disorder type 3B. Identifiers: Orphanet 44, Orphanet 772, MedGen C3550693, MONDO:0009959, OMIM 266510.
Peroxisome biogenesis disorder 3A (Zellweger). Also called: Peroxisome biogenesis disorder 3A; PEROXISOMAL BIOGENESIS DISORDER 3A (ZELLWEGER). Identifiers: Orphanet 912, MedGen C3553929, MONDO:0013927, OMIM 614859.

Allele frequency attached by ClinVar (database versions not stated): gnomAD exomes 0.00001.

Submissions (3):

Fulgent Genetics
Classification: Likely pathogenic for Peroxisome biogenesis disorder type 3B; Peroxisome biogenesis disorder 3A (Zellweger). Last evaluated: 2024-02-14. Review status: criteria provided, single submitter. Criteria: ACMG Guidelines, 2015. Collection method: clinical testing. Allele origin: germline.

Baylor Genetics
Classification: Likely pathogenic for Peroxisome biogenesis disorder 3A (Zellweger). Last evaluated: 2023-05-25. Review status: criteria provided, single submitter. Criteria: ACMG Guidelines, 2015. Collection method: clinical testing. Allele origin: unknown.

Labcorp Genetics (formerly Invitae), Labcorp
Classification: Pathogenic for Peroxisome biogenesis disorder 3A (Zellweger). Last evaluated: 2022-10-07. Review status: criteria provided, single submitter. Criteria: Invitae Variant Classification Sherloc (09022015). Collection method: clinical testing. Allele origin: germline.
Comment: This sequence change creates a premature translational stop signal (p.Gln270Lysfs*7) in the PEX12 gene. While this is not anticipated to result in nonsense mediated decay, it is expected to disrupt the last 90 amino acid(s) of the PEX12 protein. This variant is not present in population databases (gnomAD no frequency). This variant has not been reported in the literature in individuals affected with PEX12-related conditions. This variant disrupts a region of the PEX12 protein in which other variant(s) (p.Gln349del) have been determined to be pathogenic (PMID: 15542397, 21031596, 33123925; Invitae). This suggests that this is a clinically significant region of the protein, and that variants that disrupt it are likely to be disease-causing. For these reasons, this variant has been classified as Pathogenic.

Literature cited by the submitters: PubMed 15542397 (cited by Labcorp Genetics (formerly Invitae), Labcorp); PubMed 21031596 (cited by Labcorp Genetics (formerly Invitae), Labcorp); PubMed 33123925 (cited by Labcorp Genetics (formerly Invitae), Labcorp).